The following is an entry in ClinVar:

NM_032638.5(GATA2):c.1399T>C (p.Phe467Leu)

Gene: GATA2 (GATA binding protein 2; minus strand). Cytogenetic location: 3q21.3.
Variant type: single nucleotide variant.
Coding change: c.1399T>C on transcript NM_032638.5 (MANE Select); coding-DNA position 1399, T replaced by C.
Protein change: p.Phe467Leu; replaces phenylalanine 467 with leucine.
Molecular consequence: missense variant.
Genome position (GRCh38, 1-based): chr3:128,481,063, A>G on the plus strand (T>C on the coding strand, the complement: GATA2 is on the minus strand). VCF-style: chr3-128481063-A-G. GRCh37 (hg19) VCF-style: chr3-128199906-A-G.
Other names: c.1399T>C, p.Phe467Leu (NM_001145661.2); c.1357T>C, p.Phe453Leu (NM_001145662.1); short protein forms F467L, F453L.
Identifiers: ClinVar variation 4620620 (VCV004620620.1).

ClinVar aggregate classification (germline): Uncertain significance (1 of 4 stars; one submission).

Conditions:
Inborn genetic diseases. Identifiers: MedGen C0950123, MeSH D030342.

Submission:

Ambry Genetics
Classification: Uncertain significance for Inborn genetic diseases. Last evaluated: 2025-09-23. Review status: criteria provided, single submitter. Criteria: Ambry Variant Classification Scheme 2023. Collection method: clinical testing. Allele origin: germline.
Comment: The p.F467L variant (also known as c.1399T>C), located in coding exon 5 of the GATA2 gene, results from a T to C substitution at nucleotide position 1399. The phenylalanine at codon 467 is replaced by leucine, an amino acid with highly similar properties. This amino acid position is conserved. In addition, the in silico prediction for this alteration is inconclusive. Based on the available evidence, the clinical significance of this variant remains unclear.